The following is an entry in ClinVar:

ClinVar aggregate classification (germline): other (0 of 4 stars; one submission).

Conditions:
Familial colorectal cancer. Identifiers: MedGen CN280943, MONDO:0023113. Disease mechanism: loss of function.

Submission:

Systems Biology Platform Zhejiang California International NanoSystems Institute
Classification: other for Familial colorectal cancer. Review status: no assertion criteria provided. Collection method: not provided. Allele origin: unknown.
ClinVar note: Converted during submission from cancer to other.

NC_000005.10:g.112849304C>G

Variant type: single nucleotide variant.
Genome position: GRCh38 VCF-style: chr5-112849304-C-G. GRCh37 (hg19) VCF-style: chr5-112185001-C-G.
Identifiers: ClinVar variation 82651 (VCV000082651.3), dbSNP rs76754349, ClinGen allele CA250791.